The following is an entry in ClinVar:

NM_032856.5(WDR73):c.519T>C (p.Asp173=)

Gene: WDR73 (WD repeat domain 73; minus strand). Cytogenetic location: 15q25.2.
Variant type: single nucleotide variant.
Coding change: c.519T>C on transcript NM_032856.5 (MANE Select); coding-DNA position 519, T replaced by C.
Protein change: p.Asp173=; no amino-acid change (aspartic acid 173 retained).
Molecular consequence: synonymous variant. On other transcripts: non-coding transcript variant (4).
Genome position (GRCh38, 1-based): chr15:84,645,835, A>G on the plus strand (T>C on the coding strand, the complement: WDR73 is on the minus strand). VCF-style: chr15-84645835-A-G. GRCh37 (hg19) VCF-style: chr15-85189066-A-G.
Identifiers: ClinVar variation 5040489 (VCV005040489.1).

ClinVar aggregate classification (germline): Likely benign (1 of 4 stars; one submission).

gnomAD v4.1: 2 of 1,613,834 alleles (0.00012%); highest among the groups gnomAD compares: Admixed American, 0.0017%; no homozygotes.

Submission:

CeGaT Center for Human Genetics Tuebingen
Classification: Likely benign. Last evaluated: 2026-08-01. Review status: criteria provided, single submitter. Criteria: CeGaT Center For Human Genetics Tuebingen Variant Classification Criteria Version 2. Collection method: clinical testing. Allele origin: germline. Affected: yes. Observed: 1 variant allele.
Comment: WDR73: BP4, BP7